The following is an entry in ClinVar:

ClinVar aggregate classification (germline): Pathogenic/Likely pathogenic. Review status: criteria provided, multiple submitters, no conflicts (2 of 4 stars). 3 submissions from 3 submitters: Pathogenic (2); Likely pathogenic (1). Last evaluated 2026-09-01.

Conditions:
Hypophosphatasia. Also called: Phosphoethanol-aminuria. Identifiers: Orphanet 436, MedGen C0020630, MeSH D007014, MONDO:0018570.
Adult hypophosphatasia. Identifiers: Orphanet 247676, Orphanet 436, MedGen C0268413, MONDO:1010154, OMIM 146300, MONDO:0007798.

Submissions (3):

Genomenon, Inc
Classification: Pathogenic for Hypophosphatasia. Last evaluated: 2026-09-01. Review status: criteria provided, single submitter. Criteria: Genomenon Sequence Variant Interpretation Standards - Updated. Collection method: curation. Allele origin: germline. Affected: yes.
Comment: ALPL p.His171Asp (c.511C>G) is a missense variant that changes the amino acid at codon 171 from Histidine to Aspartic acid. This variant has been observed in at least one proband affected with an ALPL-related disorder (PMID:37107680). At least one functional study has demonstrated a substantial alteration in protein function relative to the wild-type (PMID:40386289). The variant is located in a mutational hotspot and/or important functional domain. It is absent or not present at a significant frequency in gnomAD. In silico models predict that this variant is possibly or probably damaging. In conclusion, we classify ALPL p.His171Asp (c.511C>G) as a pathogenic variant.

JKU Lab, Dept of Paediatrics, Johannes Kepler University
Classification: Likely pathogenic for Hypophosphatasia. Last evaluated: 2023-08-22. Review status: criteria provided, single submitter. Criteria: ACMG Guidelines, 2015. Collection method: clinical testing. Allele origin: germline. Affected: yes. Observed: 1 heterozygote.
Comment: Absent in GnomAD.

Juno Genomics, Hangzhou Juno Genomics, Inc
Classification: Pathogenic for Adult hypophosphatasia. Review status: criteria provided, single submitter. Criteria: ACMG Guidelines, 2015. Collection method: clinical testing. Allele origin: germline.
Comment: Absent from controls (or at extremely low frequency if recessive) in Genome Aggregation Database.;Novel missense change at an amino acid residue where a different missense change determined to be pathogenic has been seen before.;Multiple lines of computational evidence support a deleterious effect on the gene or gene product.;For recessive disorders, detected in trans with a pathogenic variant.;Patient's phenotype or family history is highly specific for a disease with a single genetic etiology.

Literature cited by the submitters: PubMed 37107680 (cited by Genomenon, Inc); PubMed 40386289 (cited by Genomenon, Inc).

NM_000478.6(ALPL):c.511C>G (p.His171Asp)

Gene: ALPL (alkaline phosphatase, biomineralization associated; plus strand). Cytogenetic location: 1p36.12.
Variant type: single nucleotide variant.
Coding change: c.511C>G on transcript NM_000478.6 (MANE Select); coding-DNA position 511, C replaced by G.
Protein change: p.His171Asp; replaces histidine 171 with aspartic acid.
Molecular consequence: missense variant.
Genome position (GRCh38, 1-based): chr1:21,564,079, C>G. VCF-style: chr1-21564079-C-G. GRCh37 (hg19) VCF-style: chr1-21890572-C-G.
Other names: c.346C>G, p.His116Asp (NM_001127501.4); c.280C>G, p.His94Asp (NM_001177520.3); c.511C>G, p.His171Asp (NM_001369803.2, NM_001369804.2, NM_001369805.2); short protein forms H116D, H171D, H94D.
Identifiers: ClinVar variation 2665006 (VCV002665006.5), dbSNP rs2545303533, ClinGen allele CA338877812.